The following is an entry in ClinVar:

NM_000222.3(KIT):c.2242A>G (p.Ile748Val)

Gene: KIT (KIT proto-oncogene, receptor tyrosine kinase; plus strand). Cytogenetic location: 4q12.
Variant type: single nucleotide variant.
Coding change: c.2242A>G on transcript NM_000222.3 (MANE Select); coding-DNA position 2242, A replaced by G.
Protein change: p.Ile748Val; replaces isoleucine 748 with valine.
Molecular consequence: missense variant.
Genome position (GRCh38, 1-based): chr4:54,731,879, A>G. VCF-style: chr4-54731879-A-G. GRCh37 (hg19) VCF-style: chr4-55598045-A-G.
Other names: c.2230A>G, p.Ile744Val (NM_001093772.2, NM_001385292.1); c.2245A>G, p.Ile749Val (NM_001385284.1); c.2239A>G, p.Ile747Val (NM_001385285.1); c.2227A>G, p.Ile743Val (NM_001385286.1); c.2233A>G, p.Ile745Val (NM_001385288.1); c.2242A>G, p.Ile748Val (NM_001385290.1); short protein forms I748V, I744V, I743V, I745V, I747V, I749V.
Identifiers: ClinVar variation 528510 (VCV000528510.13), dbSNP rs1317162648, ClinGen allele CA356910832.

ClinVar aggregate classification (germline): Uncertain significance. Review status: criteria provided, multiple submitters, no conflicts (2 of 4 stars). 2 submissions from 2 submitters: Uncertain significance (2). Last evaluated 2025-05-31.

Conditions:
Hereditary cancer-predisposing syndrome. Also called: Tumor predisposition; Hereditary neoplastic syndrome; Hereditary Cancer Syndrome; Neoplastic Syndromes, Hereditary. Identifiers: Orphanet 140162, MedGen C0027672, MeSH D009386, MONDO:0015356.
Gastrointestinal stromal tumor. Also called: Gastrointestinal stroma tumor; Gastrointestinal stromal tumor, somatic. Identifiers: Orphanet 44890, MedGen C0238198, MeSH D046152, MONDO:0011719, OMIM 606764, HP:0100723.

gnomAD v4.1: 1 of 1,613,416 alleles (0.000062%); highest among the groups gnomAD compares: Middle Eastern, 0.017%; no homozygotes.

Submissions (2):

Ambry Genetics
Classification: Uncertain significance for Hereditary cancer-predisposing syndrome. Last evaluated: 2025-05-31. Review status: criteria provided, single submitter. Criteria: Ambry Variant Classification Scheme 2023. Collection method: clinical testing. Allele origin: germline.
Comment: The p.I748V variant (also known as c.2242A>G), located in coding exon 16 of the KIT gene, results from an A to G substitution at nucleotide position 2242. The isoleucine at codon 748 is replaced by valine, an amino acid with highly similar properties. This amino acid position is conserved. In addition, this alteration is predicted to be tolerated by in silico analysis. Based on the available evidence, the clinical significance of this variant remains unclear.

Labcorp Genetics (formerly Invitae), Labcorp
Classification: Uncertain significance for Gastrointestinal stromal tumor. Last evaluated: 2025-01-17. Review status: criteria provided, single submitter. Criteria: Invitae Variant Classification Sherloc (09022015). Collection method: clinical testing. Allele origin: germline.
Comment: This sequence change replaces isoleucine, which is neutral and non-polar, with valine, which is neutral and non-polar, at codon 748 of the KIT protein (p.Ile748Val). This variant is not present in population databases (gnomAD no frequency). This variant has not been reported in the literature in individuals affected with KIT-related conditions. ClinVar contains an entry for this variant (Variation ID: 528510). An algorithm developed to predict the effect of missense changes on protein structure and function outputs the following: PolyPhen-2: "Benign". The valine amino acid residue is found in multiple mammalian species, which suggests that this missense change does not adversely affect protein function. In summary, the available evidence is currently insufficient to determine the role of this variant in disease. Therefore, it has been classified as a Variant of Uncertain Significance.